The following is an entry in ClinVar:

NM_001267550.2(TTN):c.66463+1G>A

Genes: TTN (titin; minus strand), TTN-AS1 (TTN antisense RNA 1; plus strand). Cytogenetic location: 2q31.2.
Variant type: single nucleotide variant.
Coding change: c.66463+1G>A on transcript NM_001267550.2 (MANE Select); the canonical splice donor site of the intron after coding-DNA position 66463, G replaced by A.
Molecular consequence: splice donor variant.
Genome position (GRCh38, 1-based): chr2:178,581,905, C>T on the plus strand (G>A on the coding strand, the complement: TTN is on the minus strand). VCF-style: chr2-178581905-C-T. GRCh37 (hg19) VCF-style: chr2-179446632-C-T.
Other names: c.39268+1G>A (NM_003319.4); c.39844+1G>A (NM_133437.4); c.39643+1G>A (NM_133432.3); c.58759+1G>A (NM_133378.4); c.61540+1G>A (NM_001256850.1).
Identifiers: ClinVar variation 3759713 (VCV003759713.2).
Genomic context (GRCh38, chr2:178,581,905, plus strand): 5'-CTTCCTGGGTGTTTAATGCTGCTTTTAACACAGGATATGGAACTCGTTCATGAACACTTA[C>T]ACTGAGGGTCCCGAGCATAAGCGGCCTTGGATGCGTCACTGGGTTTGCCTGGTCCAGCTT-3'

ClinVar aggregate classification (germline): Likely pathogenic (1 of 4 stars; one submission).

Conditions:
Dilated cardiomyopathy 1G (CMD1G). Identifiers: Orphanet 154, MedGen C1858763, MONDO:0011400, OMIM 604145.
Autosomal recessive limb-girdle muscular dystrophy type 2J (LGMDR10). Also called: Limb-girdle muscular dystrophy, type 2J; MUSCULAR DYSTROPHY, LIMB-GIRDLE, AUTOSOMAL RECESSIVE 10. Identifiers: Orphanet 140922, MedGen C1837342, MONDO:0012127, OMIM 608807.

Submission:

Labcorp Genetics (formerly Invitae), Labcorp
Classification: Likely pathogenic for Dilated cardiomyopathy 1G; Autosomal recessive limb-girdle muscular dystrophy type 2J. Last evaluated: 2024-11-05. Review status: criteria provided, single submitter. Criteria: Invitae Variant Classification Sherloc (09022015). Collection method: clinical testing. Allele origin: germline.
Comment: This sequence change affects a donor splice site in intron 315 of the TTN gene. It is expected to disrupt RNA splicing and likely results in a truncated or disrupted TTN protein. This variant is not present in population databases (gnomAD no frequency). Disruption of this splice site has been observed in individual(s) with TTN-related conditions (PMID: 30847666, 31112426). Algorithms developed to predict the effect of sequence changes on RNA splicing suggest that this variant may disrupt the consensus splice site. This variant is located in the A band of TTN (PMID: 25589632). Truncating variants in this region are significantly overrepresented in patients affected with dilated cardiomyopathy (PMID: 25589632). Truncating variants in this region have also been reported in individuals affected with autosomal recessive centronuclear myopathy (PMID: 23975875). In summary, the currently available evidence indicates that the variant is pathogenic, but additional data are needed to prove that conclusively. Therefore, this variant has been classified as Likely Pathogenic.

Literature cited by the submitters: PubMed 30847666; PubMed 31112426; PubMed 25589632; PubMed 23975875.